The following is an entry in ClinVar:

NM_021930.6(RINT1):c.1863T>C (p.Ala621=)

Gene: RINT1 (RAD50 interactor 1; plus strand). Cytogenetic location: 7q22.3.
Variant type: single nucleotide variant.
Coding change: c.1863T>C on transcript NM_021930.6 (MANE Select); coding-DNA position 1863, T replaced by C.
Protein change: p.Ala621=; no amino-acid change (alanine 621 retained).
Molecular consequence: synonymous variant. On other transcripts: non-coding transcript variant (1).
Genome position (GRCh38, 1-based): chr7:105,563,924, T>C. VCF-style: chr7-105563924-T-C. GRCh37 (hg19) VCF-style: chr7-105204371-T-C.
Other names: c.1863T>C (NM_021930.5); c.1629T>C, p.Ala543= (NM_001346599.2); c.840T>C, p.Ala280= (NM_001346600.2, NM_001346603.2); c.939T>C, p.Ala313= (NM_001346601.2).
Identifiers: ClinVar variation 1096595 (VCV001096595.12), dbSNP rs759484807, ClinGen allele CA4426783.

ClinVar aggregate classification (germline): Likely benign. Review status: criteria provided, multiple submitters, no conflicts (2 of 4 stars). 3 submissions from 3 submitters: Likely benign (3). Last evaluated 2026-06-26.

Conditions:
RINT1-related disorder. Also called: RINT1-related condition.

Allele frequency attached by ClinVar (database versions not stated): gnomAD 0.00003 and 0.00004; TOPMed 0.00005; ExAC 0.00007.
gnomAD v4.1: 30 of 1,613,862 alleles (0.0019%); highest among the groups gnomAD compares: Admixed American, 0.03%; no homozygotes.

Submissions (3):

PreventionGenetics, part of Exact Sciences
Classification: Likely benign for RINT1-related condition. Last evaluated: 2026-06-26. Review status: criteria provided, single submitter. Criteria: ACMG Guidelines, 2015. Collection method: clinical testing. Allele origin: germline.
Comment: This variant is classified as likely benign based on ACMG/AMP sequence variant interpretation guidelines (Richards et al. 2015 PMID: 25741868, with internal and published modifications).

Labcorp Genetics (formerly Invitae), Labcorp
Classification: Likely benign. Last evaluated: 2024-08-16. Review status: criteria provided, single submitter. Criteria: Invitae Variant Classification Sherloc (09022015). Collection method: clinical testing. Allele origin: germline.

Ambry Genetics
Classification: Likely benign. Last evaluated: 2021-01-04. Review status: criteria provided, single submitter. Criteria: Ambry Variant Classification Scheme 2023. Collection method: clinical testing. Allele origin: germline.